The following is an entry in ClinVar:

NM_001042492.3(NF1):c.1884C>T (p.Tyr628=)

Gene: NF1 (neurofibromin 1; plus strand). Cytogenetic location: 17q11.2.
Variant type: single nucleotide variant.
Coding change: c.1884C>T on transcript NM_001042492.3 (MANE Select); coding-DNA position 1884, C replaced by T.
Protein change: p.Tyr628=; no amino-acid change (tyrosine 628 retained).
Molecular consequence: synonymous variant.
Genome position (GRCh38, 1-based): chr17:31,225,133, C>T. VCF-style: chr17-31225133-C-T. GRCh37 (hg19) VCF-style: chr17-29552151-C-T.
Other names: c.1884C>T, p.Tyr628= (NM_000267.4).
Identifiers: ClinVar variation 184167 (VCV000184167.18), dbSNP rs555635097, ClinGen allele CA188039.

ClinVar aggregate classification (germline): Benign/Likely benign. Review status: criteria provided, multiple submitters, no conflicts (2 of 4 stars). 6 submissions from 6 submitters: Benign (1); Likely benign (4). 1 of the submissions does not count toward it. Last evaluated 2026-05-15.

Conditions:
NF1-related disorder. Also called: NF1-related condition. Identifiers: MedGen CN379171.
Hereditary cancer-predisposing syndrome. Also called: Tumor predisposition; Neoplastic Syndromes, Hereditary; Hereditary Cancer Syndrome; Hereditary neoplastic syndrome. Identifiers: Orphanet 140162, MedGen C0027672, MeSH D009386, MONDO:0015356.
Neurofibromatosis, type 1 (NF1). Also called: VON RECKLINGHAUSEN DISEASE; NEUROFIBROMATOSIS, TYPE I, SOMATIC; Neurofibromatosis, type I; Peripheral type neurofibromatosis. Identifiers: Orphanet 636, MedGen C0027831, MONDO:0018975, OMIM 162200. Disease mechanism: loss of function.

Allele frequency attached by ClinVar (database versions not stated): TOPMed 0.00001; gnomAD exomes 0.00002; gnomAD 0.00003; ExAC 0.00004; 1000 Genomes Project 0.00020; 1000 Genomes Project 30x 0.00031.

Submissions (7):

Myriad Genetics, Inc.
Classification: Benign for Neurofibromatosis, type 1. Last evaluated: 2026-05-15. Review status: criteria provided, single submitter. Criteria: Myriad Autosomal Dominant, Autosomal Recessive and X-Linked Classification Criteria (2023). Collection method: clinical testing. Allele origin: unknown.
Comment: This variant is considered benign. This variant is a silent/synonymous amino acid change and it is not expected to impact splicing.

Labcorp Genetics (formerly Invitae), Labcorp
Classification: Likely benign for Neurofibromatosis, type 1. Last evaluated: 2026-01-14. Review status: criteria provided, single submitter. Criteria: Invitae Variant Classification Sherloc (09022015). Collection method: clinical testing. Allele origin: germline.

Genome-Nilou Lab
Classification: Likely benign for Neurofibromatosis, type 1. Last evaluated: 2022-03-15. Review status: criteria provided, single submitter. Criteria: ACMG Guidelines, 2015. Collection method: clinical testing. Allele origin: germline. Affected: no.

Sema4
Classification: Likely benign for Hereditary cancer-predisposing syndrome. Last evaluated: 2021-03-12. Review status: criteria provided, single submitter. Criteria: Sema4 Curation Guidelines. Collection method: curation. Allele origin: germline.

Ambry Genetics
Classification: Likely benign for Hereditary cancer-predisposing syndrome. Last evaluated: 2014-07-10. Review status: criteria provided, single submitter. Criteria: Ambry Autosomal Dominant and X-Linked criteria (10/2015). Collection method: clinical testing. Allele origin: germline. Observed: 1 variant allele.

PreventionGenetics, part of Exact Sciences
Classification: Likely benign for NF1-related condition. Last evaluated: 2019-12-20. Review status: no assertion criteria provided. Collection method: clinical testing. Allele origin: germline. Not counted in ClinVar's aggregate classification.
Comment: This variant is classified as likely benign based on ACMG/AMP sequence variant interpretation guidelines (Richards et al. 2015 PMID: 25741868, with internal and published modifications).

Dr. Peter K. Rogan Lab, Western University
No classification provided (evidence only). Condition: Gastric cancer. Review status: no classification provided. Collection method: in vitro. Allele origin: not applicable. Functional consequence: retained intron. Not counted in ClinVar's aggregate classification.